The following is an entry in ClinVar:

ClinVar aggregate classification (germline): Uncertain significance (1 of 4 stars; one submission).

Submission:

Labcorp Genetics (formerly Invitae), Labcorp
Classification: Uncertain significance. Last evaluated: 2021-04-28. Review status: criteria provided, single submitter. Criteria: Invitae Variant Classification Sherloc (09022015). Collection method: clinical testing. Allele origin: germline.
Comment: This variant has not been reported in the literature in individuals with MOCS3-related conditions. This variant is not present in population databases (ExAC no frequency). This sequence change replaces asparagine with isoleucine at codon 121 of the MOCS3 protein (p.Asn121Ile). The asparagine residue is highly conserved and there is a large physicochemical difference between asparagine and isoleucine. Algorithms developed to predict the effect of missense changes on protein structure and function (SIFT, PolyPhen-2, Align-GVGD) all suggest that this variant is likely to be disruptive, but these predictions have not been confirmed by published functional studies and their clinical significance is uncertain. In summary, the available evidence is currently insufficient to determine the role of this variant in disease. Therefore, it has been classified as a Variant of Uncertain Significance.

NM_014484.5(MOCS3):c.362A>T (p.Asn121Ile)

Gene: MOCS3 (molybdenum cofactor synthesis 3; plus strand). Cytogenetic location: 20q13.13.
Variant type: single nucleotide variant.
Coding change: c.362A>T on transcript NM_014484.5 (MANE Select); coding-DNA position 362, A replaced by T.
Protein change: p.Asn121Ile; replaces asparagine 121 with isoleucine.
Molecular consequence: missense variant.
Genome position (GRCh38, 1-based): chr20:50,959,204, A>T. VCF-style: chr20-50959204-A-T. GRCh37 (hg19) VCF-style: chr20-49575741-A-T.
Other names: short protein forms N121I.
Identifiers: ClinVar variation 1486983 (VCV001486983.8), dbSNP rs765683391, ClinGen allele CA408982870.